The following is an entry in ClinVar:

ClinVar aggregate classification (germline): Uncertain significance. Review status: criteria provided, multiple submitters, no conflicts (2 of 4 stars). 3 submissions from 3 submitters: Uncertain significance (2). 1 of the submissions does not count toward it. Last evaluated 2025-09-30.

Conditions:
Hereditary spastic paraplegia 49 (HSAN9). Also called: Spastic paraplegia 49, autosomal recessive; NEUROPATHY, HEREDITARY SENSORY AND AUTONOMIC, TYPE IX, WITH DEVELOPMENTAL DELAY; TECPR2-Related Hereditary Sensory and Autonomic Neuropathy with Intellectual Disability. Identifiers: Orphanet 320385, MedGen C5190860, MONDO:0014016, OMIM 615031.
Inborn genetic diseases. Identifiers: MedGen C0950123, MeSH D030342.

Allele frequency attached by ClinVar (database versions not stated): ESP Exome Variant Server 0.00046; gnomAD exomes 0.00001 and 0.00007; ExAC 0.00010; 1000 Genomes Project 30x 0.00016; 1000 Genomes Project 0.00020; gnomAD 0.00027 and 0.00029; TOPMed 0.00033.
gnomAD v4.1: 64 of 1,613,434 alleles (0.004%); highest among the groups gnomAD compares: African/African-American, 0.079%; no homozygotes.

Submissions (3):

Ambry Genetics
Classification: Uncertain significance for Inborn genetic diseases. Last evaluated: 2025-09-30. Review status: criteria provided, single submitter. Criteria: Ambry Variant Classification Scheme 2023. Collection method: clinical testing. Allele origin: germline.

Labcorp Genetics (formerly Invitae), Labcorp
Classification: Uncertain significance for Hereditary spastic paraplegia 49. Last evaluated: 2022-04-21. Review status: criteria provided, single submitter. Criteria: Invitae Variant Classification Sherloc (09022015). Collection method: clinical testing. Allele origin: germline.
Comment: This sequence change replaces proline, which is neutral and non-polar, with leucine, which is neutral and non-polar, at codon 674 of the TECPR2 protein (p.Pro674Leu). This variant is present in population databases (rs149022686, gnomAD 0.1%). This variant has not been reported in the literature in individuals affected with TECPR2-related conditions. ClinVar contains an entry for this variant (Variation ID: 990791). Algorithms developed to predict the effect of missense changes on protein structure and function (SIFT, PolyPhen-2, Align-GVGD) all suggest that this variant is likely to be tolerated. In summary, the available evidence is currently insufficient to determine the role of this variant in disease. Therefore, it has been classified as a Variant of Uncertain Significance.

Natera, Inc.
Classification: Likely benign for Autosomal recessive spastic paraplegia type 49. Last evaluated: 2020-08-07. Review status: no assertion criteria provided. Collection method: clinical testing. Allele origin: germline. Not counted in ClinVar's aggregate classification.

NM_014844.5(TECPR2):c.2021C>T (p.Pro674Leu)

Gene: TECPR2 (tectonin beta-propeller repeat containing 2; plus strand). Cytogenetic location: 14q32.31.
Variant type: single nucleotide variant.
Coding change: c.2021C>T on transcript NM_014844.5 (MANE Select); coding-DNA position 2021, C replaced by T.
Protein change: p.Pro674Leu; replaces proline 674 with leucine.
Molecular consequence: missense variant.
Genome position (GRCh38, 1-based): chr14:102,434,838, C>T. VCF-style: chr14-102434838-C-T. GRCh37 (hg19) VCF-style: chr14-102901175-C-T.
Other names: c.2021C>T, p.Pro674Leu (NM_001172631.3); c.2021C>T (NM_014844.3); short protein forms P674L.
Identifiers: ClinVar variation 990791 (VCV000990791.5), dbSNP rs149022686, ClinGen allele CA7357831.